The following is an entry in ClinVar:

ClinVar aggregate classification (germline): Uncertain significance. Review status: criteria provided, multiple submitters, no conflicts (2 of 4 stars). 2 submissions from 2 submitters: Uncertain significance (2). Last evaluated 2024-03-11.

Conditions:
Epilepsy, familial adult myoclonic, 5 (EPEO5). Also called: CORTICAL MYOCLONIC TREMOR WITH EPILEPSY, FAMILIAL, 5. Identifiers: Orphanet 86814, MedGen C3809374, MONDO:0014167, OMIM 615400.

Allele frequency attached by ClinVar (database versions not stated): ExAC 0.00001; TOPMed 0.00002; gnomAD exomes 0.00003 and 0.00002; gnomAD 0.00001.
gnomAD v4.1: 39 of 1,613,816 alleles (0.0024%); highest among the groups gnomAD compares: Non-Finnish European, 0.0023%; no homozygotes.

Submissions (2):

Ambry Genetics
Classification: Uncertain significance. Last evaluated: 2024-03-11. Review status: criteria provided, single submitter. Criteria: Ambry Variant Classification Scheme 2023. Collection method: clinical testing. Allele origin: germline.

Labcorp Genetics (formerly Invitae), Labcorp
Classification: Uncertain significance for Epilepsy, familial adult myoclonic, 5. Last evaluated: 2022-02-24. Review status: criteria provided, single submitter. Criteria: Invitae Variant Classification Sherloc (09022015). Collection method: clinical testing. Allele origin: germline.
Comment: This sequence change replaces arginine, which is basic and polar, with glutamine, which is neutral and polar, at codon 893 of the CNTN2 protein (p.Arg893Gln). This variant is present in population databases (rs751913913, gnomAD 0.03%). This variant has not been reported in the literature in individuals affected with CNTN2-related conditions. ClinVar contains an entry for this variant (Variation ID: 1004630). Advanced modeling of protein sequence and biophysical properties (such as structural, functional, and spatial information, amino acid conservation, physicochemical variation, residue mobility, and thermodynamic stability) performed at Invitae indicates that this missense variant is not expected to disrupt CNTN2 protein function. Algorithms developed to predict the effect of sequence changes on RNA splicing suggest that this variant may create or strengthen a splice site. In summary, the available evidence is currently insufficient to determine the role of this variant in disease. Therefore, it has been classified as a Variant of Uncertain Significance.

NM_005076.5(CNTN2):c.2678G>A (p.Arg893Gln)

Gene: CNTN2 (contactin 2; plus strand). Cytogenetic location: 1q32.1.
Variant type: single nucleotide variant.
Coding change: c.2678G>A on transcript NM_005076.5 (MANE Select); coding-DNA position 2678, G replaced by A.
Protein change: p.Arg893Gln; replaces arginine 893 with glutamine.
Molecular consequence: missense variant. On other transcripts: non-coding transcript variant (1).
Genome position (GRCh38, 1-based): chr1:205,072,080, G>A. VCF-style: chr1-205072080-G-A. GRCh37 (hg19) VCF-style: chr1-205041208-G-A.
Other names: c.2678G>A, p.Arg893Gln (NM_001346083.2); c.2678G>A (NM_005076.3); short protein forms R893Q.
Identifiers: ClinVar variation 1004630 (VCV001004630.8), dbSNP rs751913913, ClinGen allele CA1351758.